The following is an entry in ClinVar:

ClinVar aggregate classification (germline): Uncertain significance (1 of 4 stars; one submission).

Allele frequency attached by ClinVar (database versions not stated): gnomAD exomes below 0.00001; gnomAD 0.00001; TOPMed 0.00003.
gnomAD v4.1: 4 of 1,609,556 alleles (0.00025%); highest among the groups gnomAD compares: Admixed American, 0.0067%; no homozygotes.

Submission:

Labcorp Genetics (formerly Invitae), Labcorp
Classification: Uncertain significance. Last evaluated: 2024-11-19. Review status: criteria provided, single submitter. Criteria: Invitae Variant Classification Sherloc (09022015). Collection method: clinical testing. Allele origin: germline.
Comment: This sequence change replaces asparagine, which is neutral and polar, with serine, which is neutral and polar, at codon 2053 of the RTTN protein (p.Asn2053Ser). This variant is not present in population databases (gnomAD no frequency). This variant has not been reported in the literature in individuals affected with RTTN-related conditions. ClinVar contains an entry for this variant (Variation ID: 1946252). Invitae Evidence Modeling of protein sequence and biophysical properties (such as structural, functional, and spatial information, amino acid conservation, physicochemical variation, residue mobility, and thermodynamic stability) indicates that this missense variant is not expected to disrupt RTTN protein function with a negative predictive value of 80%. In summary, the available evidence is currently insufficient to determine the role of this variant in disease. Therefore, it has been classified as a Variant of Uncertain Significance.

NM_173630.4(RTTN):c.6158A>G (p.Asn2053Ser)

Gene: RTTN (rotatin; minus strand). Cytogenetic location: 18q22.2.
Variant type: single nucleotide variant.
Coding change: c.6158A>G on transcript NM_173630.4 (MANE Select); coding-DNA position 6158, A replaced by G.
Protein change: p.Asn2053Ser; replaces asparagine 2053 with serine.
Molecular consequence: missense variant.
Genome position (GRCh38, 1-based): chr18:70,017,670, T>C on the plus strand (A>G on the coding strand, the complement: RTTN is on the minus strand). VCF-style: chr18-70017670-T-C. GRCh37 (hg19) VCF-style: chr18-67684906-T-C.
Other names: c.3422A>G, p.Asn1141Ser (NM_001318520.2); short protein forms N1141S, N2053S.
Identifiers: ClinVar variation 1946252 (VCV001946252.4), dbSNP rs1453934971, ClinGen allele CA402683778.